The following is an entry in ClinVar:

NM_000751.3(CHRND):c.727C>T (p.Arg243Cys)

Gene: CHRND (cholinergic receptor nicotinic delta subunit; plus strand). Cytogenetic location: 2q37.1.
Variant type: single nucleotide variant.
Coding change: c.727C>T on transcript NM_000751.3 (MANE Select); coding-DNA position 727, C replaced by T.
Protein change: p.Arg243Cys; replaces arginine 243 with cysteine.
Molecular consequence: missense variant. On other transcripts: intron variant (1).
Genome position (GRCh38, 1-based): chr2:232,530,046, C>T. VCF-style: chr2-232530046-C-T. GRCh37 (hg19) VCF-style: chr2-233394756-C-T.
Other names: NM_000751.3(CHRND):c.727C>T; p.Arg243Cys; c.682C>T, p.Arg228Cys (NM_001256657.2); c.424C>T, p.Arg142Cys (NM_001311196.2); c.239-1306C>T (NM_001311195.2); short protein forms R243C, R142C, R228C.
Identifiers: ClinVar variation 283138 (VCV000283138.27), dbSNP rs201733876, ClinGen allele CA2168125.

ClinVar aggregate classification (germline): Conflicting classifications of pathogenicity. Review status: criteria provided, conflicting classifications (1 of 4 stars). 11 submissions from 10 submitters: Uncertain significance (7); Likely benign (4). Last evaluated 2026-05-05.

Conditions:
Congenital myasthenic syndrome 3B (CMS3B). Also called: Myasthenic syndrome, congenital, 3B, fast-channel. Identifiers: Orphanet 590, MedGen C4225371, MONDO:0014584, OMIM 616322.
Congenital myasthenic syndrome 3C. Also called: Myasthenic syndrome, congenital, 3c, associated with acetylcholine receptor deficiency. Identifiers: Orphanet 590, MedGen C4225370, MONDO:0014585, OMIM 616323.
Congenital myasthenic syndrome 3A. Also called: Myasthenic syndrome, congenital, 3a, slow-channel. Identifiers: Orphanet 590, MedGen C4225372, MONDO:0014583, OMIM 616321.
Lethal multiple pterygium syndrome (LMPS). Identifiers: Orphanet 33108, MedGen C1854678, MONDO:0009668, OMIM 253290.
Congenital myasthenic syndrome (CMS). Also called: Congenital Myasthenic Syndromes. Identifiers: Orphanet 590, MedGen C0751882, MeSH D020294, MONDO:0018940.
CHRND-related disorder. Also called: CHRND-related condition; CHRND-Related Disorders.

Allele frequency attached by ClinVar (database versions not stated): gnomAD exomes 0.00029 and 0.00027; 1000 Genomes Project 30x 0.00031; gnomAD 0.00040 and 0.00042; 1000 Genomes Project 0.00020; ESP Exome Variant Server 0.00023; ExAC 0.00026; TOPMed 0.00027.

Submissions (11):

PreventionGenetics, part of Exact Sciences
Classification: Likely benign for CHRND-related condition. Last evaluated: 2026-05-05. Review status: criteria provided, single submitter. Criteria: ACMG Guidelines, 2015. Collection method: clinical testing. Allele origin: germline.
Comment: This variant is classified as likely benign based on ACMG/AMP sequence variant interpretation guidelines (Richards et al. 2015 PMID: 25741868, with internal and published modifications).

Labcorp Genetics (formerly Invitae), Labcorp
Classification: Uncertain significance for Lethal multiple pterygium syndrome. Last evaluated: 2026-02-01. Review status: criteria provided, single submitter. Criteria: Invitae Variant Classification Sherloc (09022015). Collection method: clinical testing. Allele origin: germline.
Comment: This sequence change replaces arginine, which is basic and polar, with cysteine, which is neutral and slightly polar, at codon 243 of the CHRND protein (p.Arg243Cys). This variant is present in population databases (rs201733876, gnomAD 0.06%). This missense change has been observed in individual(s) with clinical features of CHRND-related conditions (PMID: 32528171). ClinVar contains an entry for this variant (Variation ID: 283138). Invitae Evidence Modeling of protein sequence and biophysical properties (such as structural, functional, and spatial information, amino acid conservation, physicochemical variation, residue mobility, and thermodynamic stability) has been performed for this missense variant. However, the output from this modeling did not meet the statistical confidence thresholds required to predict the impact of this variant on CHRND protein function. In summary, the available evidence is currently insufficient to determine the role of this variant in disease. Therefore, it has been classified as a Variant of Uncertain Significance.

Blueprint Genetics
Classification: Uncertain significance. Last evaluated: 2024-11-26. Review status: criteria provided, single submitter. Criteria: ACMG Guidelines, 2015. Collection method: clinical testing. Allele origin: germline.

Revvity Omics, Revvity
Classification: Likely benign. Last evaluated: 2023-10-05. Review status: criteria provided, single submitter. Criteria: ACMG Guidelines, 2015. Collection method: clinical testing. Allele origin: germline.

Broad Center for Mendelian Genomics, Broad Institute of MIT and Harvard
Classification: Uncertain significance for Congenital myasthenic syndrome 3A. Last evaluated: 2022-05-04. Review status: criteria provided, single submitter. Criteria: ACMG Guidelines, 2015. Collection method: curation. Allele origin: germline. Inheritance: Autosomal dominant inheritance.
Comment: The variant has not been previously reported in individuals with congenital myasthenic syndrome 3A but has been identified in 0.06% (14/24950) of African chromosomes by the Genome Aggregation Database (gnomAD; dbSNP ID: rs201733876). Although this variant has been seen in the general population, its frequency is not high enough to rule out a pathogenic role. This variant has also been reported in ClinVar (Variation ID: 283138) as having uncertain significance by multiple submitters. Computational prediction tools and conservation analyses do not provide strong support for or against an impact to the protein. In summary, the clinical significance of the p.Arg243Cys variant is uncertain. ACMG/AMP Criteria applied: none (Richards 2015).

Dubai Health Genomic Medicine Center, Dubai Health
Classification: Likely benign. Last evaluated: 2020-08-17. Review status: criteria provided, single submitter. Criteria: ACMG Guidelines, 2015. Collection method: clinical testing. Allele origin: germline. Affected: yes.

GeneDx
Classification: Likely benign. Last evaluated: 2019-10-23. Review status: criteria provided, single submitter. Criteria: GeneDx Variant Classification Process June 2021. Collection method: clinical testing. Allele origin: germline. Affected: yes.
Comment: In silico analysis, which includes protein predictors and evolutionary conservation, supports a deleterious effect; Has not been previously published as pathogenic or benign to our knowledge; This variant is associated with the following publications: (PMID: 32528171)

Fulgent Genetics
Classification: Uncertain significance for Lethal multiple pterygium syndrome; Congenital myasthenic syndrome 3A; Congenital myasthenic syndrome 3B; Congenital myasthenic syndrome 3C. Last evaluated: 2018-10-31. Review status: criteria provided, single submitter. Criteria: ACMG Guidelines, 2015. Collection method: clinical testing. Allele origin: unknown.

Illumina Laboratory Services, Illumina
Classification: Uncertain significance for Lethal multiple pterygium syndrome. Last evaluated: 2018-01-12. Review status: criteria provided, single submitter. Criteria: ICSL Variant Classification Criteria 13 December 2019. Collection method: clinical testing. Allele origin: germline.

Illumina Laboratory Services, Illumina
Classification: Uncertain significance for Congenital myasthenic syndrome. Last evaluated: 2018-01-12. Review status: criteria provided, single submitter. Criteria: ICSL Variant Classification Criteria 13 December 2019. Collection method: clinical testing. Allele origin: germline.

Eurofins Ntd Llc (ga)
Classification: Uncertain significance. Last evaluated: 2015-09-19. Review status: criteria provided, single submitter. Criteria: EGL Classification Definitions 2015. Collection method: clinical testing. Allele origin: germline. Observed: 2 variant alleles, 2 heterozygotes.

Literature cited by the submitters: PubMed 32528171 (cited by Labcorp Genetics (formerly Invitae), Labcorp).